The following is an entry in ClinVar:

NM_000400.4(ERCC2):c.717T>A (p.Ile239=)

Gene: ERCC2 (ERCC excision repair 2, TFIIH core complex helicase subunit; minus strand). Cytogenetic location: 19q13.32.
Variant type: single nucleotide variant.
Coding change: c.717T>A on transcript NM_000400.4 (MANE Select); coding-DNA position 717, T replaced by A.
Protein change: p.Ile239=; no amino-acid change (isoleucine 239 retained).
Molecular consequence: synonymous variant.
Genome position (GRCh38, 1-based): chr19:45,364,425, A>T on the plus strand (T>A on the coding strand, the complement: ERCC2 is on the minus strand). VCF-style: chr19-45364425-A-T. GRCh37 (hg19) VCF-style: chr19-45867683-A-T.
Other names: c.645T>A, p.Ile215= (NM_001130867.2).
Identifiers: ClinVar variation 1448094 (VCV001448094.7), dbSNP rs768954113, ClinGen allele CA9513678.
Genomic context (GRCh38, chr19:45,364,425, plus strand): 5'-CCTGCAGGGGCCTCACTCAGAGGGGCTGGCATCCCTTTGGCCCCTGGCGCCCCCCTCACC[A>T]ATGTTGTGGGCCTCGTCGAAGACCACGACGGCCTTGCGGGCCAGTTCCTTGGACACCAGG-3'
Protein context (NP_000391.1, residues 229-249): AVVVFDEAHN[Ile239=]DNVCIDSMSV

ClinVar aggregate classification (germline): Conflicting classifications of pathogenicity. Review status: criteria provided, conflicting classifications (1 of 4 stars). 2 submissions from 2 submitters: Uncertain significance (1); Likely benign (1). Last evaluated 2022-07-19.

Conditions:
Inborn genetic diseases. Identifiers: MedGen C0950123, MeSH D030342.

Allele frequency attached by ClinVar (database versions not stated): gnomAD 0.00003; ExAC 0.00002.
gnomAD v4.1: 20 of 1,613,774 alleles (0.0012%); highest among the groups gnomAD compares: Admixed American, 0.032%; no homozygotes.

Submissions (2):

Labcorp Genetics (formerly Invitae), Labcorp
Classification: Uncertain significance. Last evaluated: 2022-07-19. Review status: criteria provided, single submitter. Criteria: Invitae Variant Classification Sherloc (09022015). Collection method: clinical testing. Allele origin: germline.
Comment: This sequence change affects codon 239 of the ERCC2 mRNA. It is a 'silent' change, meaning that it does not change the encoded amino acid sequence of the ERCC2 protein. It affects a nucleotide within the consensus splice site. This variant is present in population databases (rs768954113, gnomAD 0.02%). This variant has not been reported in the literature in individuals affected with ERCC2-related conditions. ClinVar contains an entry for this variant (Variation ID: 1448094). Algorithms developed to predict the effect of sequence changes on RNA splicing suggest that this variant is not likely to affect RNA splicing. In summary, the available evidence is currently insufficient to determine the role of this variant in disease. Therefore, it has been classified as a Variant of Uncertain Significance.

Ambry Genetics
Classification: Likely benign for Inborn genetic diseases. Last evaluated: 2022-03-12. Review status: criteria provided, single submitter. Criteria: Ambry Variant Classification Scheme 2023. Collection method: clinical testing. Allele origin: germline.